The following is an entry in ClinVar:

NM_017654.4(SAMD9):c.4517C>T (p.Pro1506Leu)

Gene: SAMD9 (sterile alpha motif domain containing 9; minus strand). Cytogenetic location: 7q21.2.
Variant type: single nucleotide variant.
Coding change: c.4517C>T on transcript NM_017654.4 (MANE Select); coding-DNA position 4517, C replaced by T.
Protein change: p.Pro1506Leu; replaces proline 1506 with leucine.
Molecular consequence: missense variant.
Genome position (GRCh38, 1-based): chr7:93,101,581, G>A on the plus strand (C>T on the coding strand, the complement: SAMD9 is on the minus strand). VCF-style: chr7-93101581-G-A. GRCh37 (hg19) VCF-style: chr7-92730894-G-A.
Other names: c.4517C>T, p.Pro1506Leu (NM_001193307.2); c.4517C>T (NM_017654.3); short protein forms P1506L.
Identifiers: ClinVar variation 2169091 (VCV002169091.5), dbSNP rs149043237, ClinGen allele CA4342541.

ClinVar aggregate classification (germline): Uncertain significance. Review status: criteria provided, multiple submitters, no conflicts (2 of 4 stars). 3 submissions from 3 submitters: Uncertain significance (3). Last evaluated 2025-04-22.

Conditions:
Inborn genetic diseases. Identifiers: MedGen C0950123, MeSH D030342.

Allele frequency attached by ClinVar (database versions not stated): ExAC 0.00001; TOPMed 0.00002; gnomAD 0.00003; ESP Exome Variant Server 0.00015.
gnomAD v4.1: 26 of 1,613,646 alleles (0.0016%); highest among the groups gnomAD compares: African/African-American, 0.0027%; no homozygotes.

Submissions (3):

Labcorp Genetics (formerly Invitae), Labcorp
Classification: Uncertain significance. Last evaluated: 2025-04-22. Review status: criteria provided, single submitter. Criteria: Invitae Variant Classification Sherloc (09022015). Collection method: clinical testing. Allele origin: germline.
Comment: This sequence change replaces proline, which is neutral and non-polar, with leucine, which is neutral and non-polar, at codon 1506 of the SAMD9 protein (p.Pro1506Leu). This variant is present in population databases (rs149043237, gnomAD 0.02%). This variant has not been reported in the literature in individuals affected with SAMD9-related conditions. ClinVar contains an entry for this variant (Variation ID: 2169091). Invitae Evidence Modeling of protein sequence and biophysical properties (such as structural, functional, and spatial information, amino acid conservation, physicochemical variation, residue mobility, and thermodynamic stability) indicates that this missense variant is not expected to disrupt SAMD9 protein function with a negative predictive value of 95%. In summary, the available evidence is currently insufficient to determine the role of this variant in disease. Therefore, it has been classified as a Variant of Uncertain Significance.

Ambry Genetics
Classification: Uncertain significance for Inborn genetic diseases. Last evaluated: 2025-01-14. Review status: criteria provided, single submitter. Criteria: Ambry Variant Classification Scheme 2023. Collection method: clinical testing. Allele origin: germline.
Comment: The p.P1506L variant (also known as c.4517C>T), located in coding exon 1 of the SAMD9 gene, results from a C to T substitution at nucleotide position 4517. The proline at codon 1506 is replaced by leucine, an amino acid with similar properties. This amino acid position is conserved. In addition, this alteration is predicted to be tolerated by in silico analysis. Based on the available evidence, the clinical significance of this variant remains unclear.

GeneDx
Classification: Uncertain significance. Last evaluated: 2023-06-20. Review status: criteria provided, single submitter. Criteria: GeneDx Variant Classification Process June 2021. Collection method: clinical testing. Allele origin: germline. Affected: yes.
Comment: In silico analysis supports that this missense variant does not alter protein structure/function; Has not been previously published as pathogenic or benign to our knowledge